The following is an entry in ClinVar:

ClinVar aggregate classification (germline): Conflicting classifications of pathogenicity. Review status: criteria provided, conflicting classifications (1 of 4 stars). 3 submissions from 3 submitters: Uncertain significance (2); Likely benign (1). Last evaluated 2024-08-01.

Conditions:
Familial cold autoinflammatory syndrome 4 (FCAS4). Identifiers: Orphanet 47045, Orphanet 576349, MedGen C4015276, MONDO:0014498, OMIM 616115.
Periodic fever-infantile enterocolitis-autoinflammatory syndrome. Also called: Autoinflammation with infantile enterocolitis. Identifiers: Orphanet 436166, MedGen C4015067, MONDO:0014472, OMIM 616050.
Autoinflammatory syndrome. Identifiers: Orphanet 93665, MedGen C3890737, MONDO:0019751.

Allele frequency attached by ClinVar (database versions not stated): ExAC 0.00001; TOPMed 0.00002; gnomAD 0.00001; 1000 Genomes Project 30x 0.00016; 1000 Genomes Project 0.00020; gnomAD exomes 0.00001.
gnomAD v4.1: 18 of 1,614,152 alleles (0.0011%); highest among the groups gnomAD compares: Non-Finnish European, 0.0014%; no homozygotes.

Submissions (3):

Blueprint Genetics
Classification: Likely benign. Last evaluated: 2024-08-01. Review status: criteria provided, single submitter. Criteria: ACMG Guidelines, 2015. Collection method: clinical testing. Allele origin: germline.

Labcorp Genetics (formerly Invitae), Labcorp
Classification: Uncertain significance for Periodic fever-infantile enterocolitis-autoinflammatory syndrome; Familial cold autoinflammatory syndrome 4. Last evaluated: 2023-04-09. Review status: criteria provided, single submitter. Criteria: Invitae Variant Classification Sherloc (09022015). Collection method: clinical testing. Allele origin: germline.
Comment: In summary, the available evidence is currently insufficient to determine the role of this variant in disease. Therefore, it has been classified as a Variant of Uncertain Significance. Algorithms developed to predict the effect of sequence changes on RNA splicing suggest that this variant may create or strengthen a splice site. ClinVar contains an entry for this variant (Variation ID: 1694383). This variant has not been reported in the literature in individuals affected with NLRC4-related conditions. This variant is present in population databases (rs542279142, gnomAD 0.003%). This sequence change affects codon 199 of the NLRC4 mRNA. It is a 'silent' change, meaning that it does not change the encoded amino acid sequence of the NLRC4 protein.

Genome Diagnostics Laboratory, The Hospital for Sick Children
Classification: Uncertain significance for Autoinflammatory syndrome. Last evaluated: 2021-06-29. Review status: criteria provided, single submitter. Criteria: ACMG Guidelines, 2015. Collection method: clinical testing. Allele origin: germline. Affected: yes.

NM_001199138.2(NLRC4):c.597C>T (p.Phe199=)

Gene: NLRC4 (NLR family CARD domain containing 4; minus strand). Cytogenetic location: 2p22.3.
Variant type: single nucleotide variant.
Coding change: c.597C>T on transcript NM_001199138.2 (MANE Select); coding-DNA position 597, C replaced by T.
Protein change: p.Phe199=; no amino-acid change (phenylalanine 199 retained).
Molecular consequence: synonymous variant. On other transcripts: intron variant (1).
Genome position (GRCh38, 1-based): chr2:32,251,267, G>A on the plus strand (C>T on the coding strand, the complement: NLRC4 is on the minus strand). VCF-style: chr2-32251267-G-A. GRCh37 (hg19) VCF-style: chr2-32476336-G-A.
Other names: c.597C>T, p.Phe199= (NM_001199139.2, NM_021209.5); c.262+1152C>T (NM_001302504.1).
Identifiers: ClinVar variation 1694383 (VCV001694383.7), dbSNP rs542279142, ClinGen allele CA1602111.